The following is an entry in ClinVar:

NM_000138.5(FBN1):c.6043G>A (p.Asp2015Asn)

Gene: FBN1 (fibrillin 1; minus strand). Cytogenetic location: 15q21.1.
Variant type: single nucleotide variant.
Coding change: c.6043G>A on transcript NM_000138.5 (MANE Select); coding-DNA position 6043, G replaced by A.
Protein change: p.Asp2015Asn; replaces aspartic acid 2015 with asparagine.
Molecular consequence: missense variant.
Genome position (GRCh38, 1-based): chr15:48,441,841, C>T on the plus strand (G>A on the coding strand, the complement: FBN1 is on the minus strand). VCF-style: chr15-48441841-C-T. GRCh37 (hg19) VCF-style: chr15-48734038-C-T.
Other names: short protein forms D2015N.
Identifiers: ClinVar variation 289267 (VCV000289267.14), dbSNP rs768457461, ClinGen allele CA056160.
Genomic context (GRCh38, chr15:48,441,841, plus strand): 5'-TGCCTTCAGTGTTACTGCATGTGCCCAGGGCACAAATTTCTGGCTCTTCGACACACTCAT[C>T]AATATCTAAAAGAATCACATGAGTCAAACAAAGTCAAAACACGATGGAGACATCATCAGG-3'
Protein context (NP_000129.3, residues 2005-2025): SLQNEKCEDI[Asp2015Asn]ECVEEPEICA

ClinVar aggregate classification (germline): Uncertain significance. Review status: criteria provided, multiple submitters, no conflicts (2 of 4 stars). 4 submissions from 4 submitters: Uncertain significance (4). Last evaluated 2025-09-12.

Conditions:
Familial thoracic aortic aneurysm and aortic dissection (TAAD). Also called: Thoracic aortic aneurysms and dissections. Identifiers: Orphanet 91387, MedGen C4707243, MONDO:0019625.
Marfan syndrome (MFS). Also called: Marfan syndrome type 1; Marfan's syndrome; MARFAN SYNDROME, TYPE I; Marfan syndrome, classic; FBN1-Related Marfan Syndrome. Identifiers: Orphanet 284963, Orphanet 558, MedGen C0024796, MONDO:0007947, OMIM 154700.

Allele frequency attached by ClinVar (database versions not stated): gnomAD exomes below 0.00001 and 0.00001; ExAC 0.00001; gnomAD 0.00001.
gnomAD v4.1: 11 of 1,613,154 alleles (0.00068%); highest among the groups gnomAD compares: Non-Finnish European, 0.00093%; no homozygotes.

Submissions (4):

Color Diagnostics, LLC DBA Color Health
Classification: Uncertain significance for Familial thoracic aortic aneurysm and aortic dissection. Last evaluated: 2025-09-12. Review status: criteria provided, single submitter. Criteria: ACMG Guidelines, 2015. Collection method: clinical testing. Allele origin: germline.
Comment: This missense variant replaces aspartic acid with asparagine at codon 2015 of the FBN1 protein. Computational prediction suggests that this variant may not impact protein structure and function. To our knowledge, functional studies have not been reported for this variant. This variant has been reported in an individual affected with mild thoracic aortic aneurysm (PMID: 28550590). This variant has been identified in 1/250304 chromosomes in the general population by the Genome Aggregation Database (gnomAD). The available evidence is insufficient to determine the role of this variant in disease conclusively. Therefore, this variant is classified as a Variant of Uncertain Significance.

Labcorp Genetics (formerly Invitae), Labcorp
Classification: Uncertain significance for Marfan syndrome; Familial thoracic aortic aneurysm and aortic dissection. Last evaluated: 2023-11-12. Review status: criteria provided, single submitter. Criteria: Invitae Variant Classification Sherloc (09022015). Collection method: clinical testing. Allele origin: germline.
Comment: This sequence change replaces aspartic acid, which is acidic and polar, with asparagine, which is neutral and polar, at codon 2015 of the FBN1 protein (p.Asp2015Asn). This variant is present in population databases (rs768457461, gnomAD 0.0009%). This missense change has been observed in individual(s) with thoracic aortic aneurysm and dissection (Invitae). ClinVar contains an entry for this variant (Variation ID: 289267). Advanced modeling of protein sequence and biophysical properties (such as structural, functional, and spatial information, amino acid conservation, physicochemical variation, residue mobility, and thermodynamic stability) performed at Invitae indicates that this missense variant is not expected to disrupt FBN1 protein function with a negative predictive value of 95%. In summary, the available evidence is currently insufficient to determine the role of this variant in disease. Therefore, it has been classified as a Variant of Uncertain Significance.

All of Us Research Program, National Institutes of Health
Classification: Uncertain significance for Marfan syndrome. Last evaluated: 2023-08-28. Review status: criteria provided, single submitter. Criteria: ACMG Guidelines, 2015. Collection method: clinical testing. Allele origin: germline. Inheritance: Autosomal dominant inheritance. Observed: 2 variant alleles, 2 heterozygotes.
Comment: This missense variant replaces aspartic acid with asparagine at codon 2015 of the FBN1 protein. Computational prediction suggests that this variant may not impact protein structure and function (internally defined REVEL score threshold <= 0.5, PMID: 27666373). To our knowledge, functional studies have not been reported for this variant. This variant has been reported in 1 individual affected with mild thoracic aortic aneurysm (PMID: 28550590). This variant has been identified in 1/250304 chromosomes in the general population by the Genome Aggregation Database (gnomAD). The available evidence is insufficient to determine the role of this variant in disease conclusively. Therefore, this variant is classified as a Variant of Uncertain Significance.

This study involves interpretation of variants in research participants for the purpose of population health screening. Participant phenotype was not available at the time of variant classification. Additional details can be found in publication PMID: 35346344, PMCID: PMC8962531

Eurofins Ntd Llc (ga)
Classification: Uncertain significance. Last evaluated: 2016-08-30. Review status: criteria provided, single submitter. Criteria: EGL Classification Definitions 2015. Collection method: clinical testing. Allele origin: germline. Observed: 1 variant allele, 1 heterozygote.

Literature cited by the submitters: PubMed 28550590 (cited by Color Diagnostics, LLC DBA Color Health and All of Us Research Program, National Institutes of Health).